The following is an entry in ClinVar:

NM_000548.5(TSC2):c.1730C>A (p.Thr577Asn)

Gene: TSC2 (TSC complex subunit 2; plus strand). Cytogenetic location: 16p13.3.
Variant type: single nucleotide variant.
Coding change: c.1730C>A on transcript NM_000548.5 (MANE Select); coding-DNA position 1730, C replaced by A.
Protein change: p.Thr577Asn; replaces threonine 577 with asparagine.
Molecular consequence: missense variant. On other transcripts: non-coding transcript variant (5).
Genome position (GRCh38, 1-based): chr16:2,070,469, C>A. VCF-style: chr16-2070469-C-A. GRCh37 (hg19) VCF-style: chr16-2120470-C-A.
Other names: c.1730C>A, p.Thr577Asn (NM_001363528.2, NM_001370404.1, NM_001370405.1 and 6 more transcripts); c.1673C>A, p.Thr558Asn (NM_001406677.1); c.1619C>A, p.Thr540Asn (NM_001406678.1, NM_001406670.1, NM_001318827.2); c.1583C>A, p.Thr528Asn (NM_001406679.1, NM_001406675.1, NM_001406676.1 and 1 more transcripts); c.1130C>A, p.Thr377Asn (NM_001406680.1, NM_001406682.1, NM_001406683.1 and 6 more transcripts); c.1268C>A, p.Thr423Asn (NM_001406681.1); c.386C>A, p.Thr129Asn (NM_001406696.1, NM_001406697.1, NM_001406689.1 and 6 more transcripts); c.128C>A, p.Thr43Asn (NM_001406698.1); and 3 more; short protein forms T377N, T129N, T540N, T558N, T423N, T43N, T528N, T573N.
Identifiers: ClinVar variation 2449959 (VCV002449959.4), dbSNP rs770895919, ClinGen allele CA394272693.

ClinVar aggregate classification (germline): Uncertain significance. Review status: criteria provided, multiple submitters, no conflicts (2 of 4 stars). 2 submissions from 2 submitters: Uncertain significance (2). Last evaluated 2024-05-30.

Conditions:
Tuberous sclerosis 2 (TSC2). Identifiers: Orphanet 805, MedGen C1860707, MONDO:0013199, OMIM 613254.
Hereditary cancer-predisposing syndrome. Also called: Hereditary neoplastic syndrome; Tumor predisposition; Neoplastic Syndromes, Hereditary; Hereditary Cancer Syndrome. Identifiers: Orphanet 140162, MedGen C0027672, MeSH D009386, MONDO:0015356.

Submissions (2):

Labcorp Genetics (formerly Invitae), Labcorp
Classification: Uncertain significance for Tuberous sclerosis 2. Last evaluated: 2024-05-30. Review status: criteria provided, single submitter. Criteria: Invitae Variant Classification Sherloc (09022015). Collection method: clinical testing. Allele origin: germline.
Comment: This sequence change replaces threonine, which is neutral and polar, with asparagine, which is neutral and polar, at codon 577 of the TSC2 protein (p.Thr577Asn). This variant is not present in population databases (gnomAD no frequency). This variant has not been reported in the literature in individuals affected with TSC2-related conditions. ClinVar contains an entry for this variant (Variation ID: 2449959). Advanced modeling of protein sequence and biophysical properties (such as structural, functional, and spatial information, amino acid conservation, physicochemical variation, residue mobility, and thermodynamic stability) performed at Invitae indicates that this missense variant is not expected to disrupt TSC2 protein function with a negative predictive value of 95%. In summary, the available evidence is currently insufficient to determine the role of this variant in disease. Therefore, it has been classified as a Variant of Uncertain Significance.

Ambry Genetics
Classification: Uncertain significance for Hereditary cancer-predisposing syndrome. Last evaluated: 2022-11-20. Review status: criteria provided, single submitter. Criteria: Ambry Variant Classification Scheme 2023. Collection method: clinical testing. Allele origin: germline.
Comment: The p.T577N variant (also known as c.1730C>A), located in coding exon 16 of the TSC2 gene, results from a C to A substitution at nucleotide position 1730. The threonine at codon 577 is replaced by asparagine, an amino acid with similar properties. This amino acid position is conserved. In addition, the in silico prediction for this alteration is inconclusive. Since supporting evidence is limited at this time, the clinical significance of this alteration remains unclear.